The following is an entry in ClinVar:

ClinVar aggregate classification (germline): Uncertain significance (1 of 4 stars; one submission).

Conditions:
Immunodeficiency. Identifiers: MedGen C0021051, MONDO:0021094, HP:0002721.

Submission:

Labcorp Genetics (formerly Invitae), Labcorp
Classification: Uncertain significance for Immunodeficiency. Last evaluated: 2021-06-03. Review status: criteria provided, single submitter. Criteria: Invitae Variant Classification Sherloc (09022015). Collection method: clinical testing. Allele origin: germline.
Comment: Experimental studies and prediction algorithms are not available or were not evaluated, and the functional significance of this variant is currently unknown. This variant has not been reported in the literature in individuals with NFAT5-related conditions. This variant results in a copy number gain of the genomic region encompassing exon(s) 11-15 of the NFAT5 gene. While the exact position of this variant cannot be determined from the data, sub-genic copy number gains are generally in tandem (PMID: 25640679). This variant is predicted to be in-frame, and likely preserves the integrity of the reading frame. In summary, the available evidence is currently insufficient to determine the role of this variant in disease. Therefore, it has been classified as a Variant of Uncertain Significance.

Literature cited by the submitters: PubMed 25640679.

NC_000016.9:g.(?_69711086)_(69729274_?)dup

Gene: NFAT5 (nuclear factor of activated T cells 5; plus strand). Cytogenetic location: 16q22.1.
Variant type: Duplication.
Identifiers: ClinVar variation 1441674 (VCV001441674.4).